The following is an entry in ClinVar:

ClinVar aggregate classification (germline): Uncertain significance. Review status: criteria provided, multiple submitters, no conflicts (2 of 4 stars). 2 submissions from 2 submitters: Uncertain significance (2). Last evaluated 2025-08-25.

Conditions:
Elliptocytosis 1 (EL1). Also called: 4.1- TRAIT; 4.1-MINUS TRAIT; ELLIPTOCYTOSIS, RHESUS-LINKED TYPE; PROTEIN 4.1 OF ERYTHROCYTE MEMBRANE, DEFECT OF. Identifiers: Orphanet 288, MedGen C2678497, MONDO:0012731, OMIM 611804.
Inborn genetic diseases. Identifiers: MedGen C0950123, MeSH D030342.

Allele frequency attached by ClinVar (database versions not stated): gnomAD 0.00002; gnomAD exomes 0.00002; TOPMed 0.00002; ExAC 0.00008.
gnomAD v4.1: 33 of 1,613,878 alleles (0.002%); highest among the groups gnomAD compares: Admixed American, 0.028%; no homozygotes.

Submissions (2):

Ambry Genetics
Classification: Uncertain significance for Inborn genetic diseases. Last evaluated: 2025-08-25. Review status: criteria provided, single submitter. Criteria: Ambry Variant Classification Scheme 2023. Collection method: clinical testing. Allele origin: germline.

ARUP Laboratories, Molecular Genetics and Genomics, ARUP Laboratories
Classification: Uncertain significance for Elliptocytosis 1. Last evaluated: 2025-06-13. Review status: criteria provided, single submitter. Criteria: ARUP Molecular Germline Variant Investigation Process 2024. Collection method: clinical testing. Allele origin: germline.
Comment: The EPB41 c.1505A>G; p.Asn502Ser variant (rs769129156), to our knowledge, is not reported in the medical literature but is reported in ClinVar (Variation ID: 2387601). This variant is found in the Admixed American population with an allele frequency of 0.04% (15/34592 alleles) in the Genome Aggregation Database (v2.1.1). Computational analyses predict that this variant is neutral (REVEL: 0.119). Due to limited information, the clinical significance of this variant is uncertain at this time.

NM_001376013.1(EPB41):c.2231A>G (p.Asn744Ser)

Gene: EPB41 (erythrocyte membrane protein band 4.1; plus strand). Cytogenetic location: 1p35.3.
Variant type: single nucleotide variant.
Coding change: c.2231A>G on transcript NM_001376013.1 (MANE Select); coding-DNA position 2231, A replaced by G.
Protein change: p.Asn744Ser; replaces asparagine 744 with serine.
Molecular consequence: missense variant.
Genome position (GRCh38, 1-based): chr1:29,097,853, A>G. VCF-style: chr1-29097853-A-G. GRCh37 (hg19) VCF-style: chr1-29424365-A-G.
Other names: c.2231A>G, p.Asn744Ser (NM_001166005.2); c.1442A>G, p.Asn481Ser (NM_001166007.2); c.2162A>G, p.Asn721Ser (NM_001376014.1); c.2126A>G, p.Asn709Ser (NM_001376015.1); c.1604A>G, p.Asn535Ser (NM_001376022.1); c.1505A>G, p.Asn502Ser (NM_004437.4); c.1562A>G, p.Asn521Ser (NM_203342.3); c.1964A>G, p.Asn655Ser (NM_203343.3); short protein forms N481S, N655S, N521S, N721S, N744S, N535S, N709S, N502S.
Identifiers: ClinVar variation 2387601 (VCV002387601.4), dbSNP rs769129156, ClinGen allele CA724770.